The following is an entry in ClinVar:

NM_000817.3(GAD1):c.1263+6T>A

Gene: GAD1 (glutamate decarboxylase 1; plus strand). Cytogenetic location: 2q31.1.
Variant type: single nucleotide variant.
Coding change: c.1263+6T>A on transcript NM_000817.3 (MANE Select); 6 bases into the intron after coding-DNA position 1263, T replaced by A.
Molecular consequence: intron variant.
Genome position (GRCh38, 1-based): chr2:170,852,798, T>A. VCF-style: chr2-170852798-T-A. GRCh37 (hg19) VCF-style: chr2-171709308-T-A.
Identifiers: ClinVar variation 2006137 (VCV002006137.4), dbSNP rs2468365005, ClinGen allele CA2580064489.

ClinVar aggregate classification (germline): Uncertain significance (1 of 4 stars; one submission).

Conditions:
Neurodevelopmental disorder with progressive spasticity and brain white matter abnormalities. Also called: CEREBRAL PALSY, SPASTIC QUADRIPLEGIC, 1. Identifiers: Orphanet 210141, Orphanet 641353, MedGen C5436628, MONDO:0033613, OMIM 619026.

Allele frequency attached by ClinVar (database versions not stated): gnomAD exomes below 0.00001.
gnomAD v4.1: 2 of 1,613,438 alleles (0.00012%); highest among the groups gnomAD compares: African/African-American, 0.0013%; no homozygotes.

Submission:

Labcorp Genetics (formerly Invitae), Labcorp
Classification: Uncertain significance for Neurodevelopmental disorder with progressive spasticity and brain white matter abnormalities. Last evaluated: 2022-10-03. Review status: criteria provided, single submitter. Criteria: Invitae Variant Classification Sherloc (09022015). Collection method: clinical testing. Allele origin: germline.
Comment: In summary, the available evidence is currently insufficient to determine the role of this variant in disease. Therefore, it has been classified as a Variant of Uncertain Significance. Variants that disrupt the consensus splice site are a relatively common cause of aberrant splicing (PMID: 17576681, 9536098). Algorithms developed to predict the effect of sequence changes on RNA splicing suggest that this variant may disrupt the consensus splice site. This variant has not been reported in the literature in individuals affected with GAD1-related conditions. This variant is not present in population databases (gnomAD no frequency). This sequence change falls in intron 13 of the GAD1 gene. It does not directly change the encoded amino acid sequence of the GAD1 protein. It affects a nucleotide within the consensus splice site.

Literature cited by the submitters: PubMed 17576681; PubMed 9536098.